The following is an entry in ClinVar:

ClinVar aggregate classification (germline): Uncertain significance (1 of 4 stars; one submission).

Conditions:
Catecholaminergic polymorphic ventricular tachycardia 1. Also called: VENTRICULAR TACHYCARDIA, CATECHOLAMINERGIC POLYMORPHIC, 1, WITH OR WITHOUT ATRIAL DYSFUNCTION AND/OR DILATED CARDIOMYOPATHY; VENTRICULAR TACHYCARDIA, STRESS-INDUCED POLYMORPHIC 1; RYR2-Related Catecholaminergic Polymorphic Ventricular Tachycardia. Identifiers: Orphanet 3286, MedGen C1631597, MONDO:0011484, OMIM 604772.

Allele frequency attached by ClinVar (database versions not stated): gnomAD exomes below 0.00001; TOPMed below 0.00001; gnomAD 0.00001.
gnomAD v4.1: 2 of 1,585,028 alleles (0.00013%); highest among the groups gnomAD compares: Non-Finnish European, 0.00017%; no homozygotes.

Submission:

Labcorp Genetics (formerly Invitae), Labcorp
Classification: Uncertain significance for Catecholaminergic polymorphic ventricular tachycardia 1. Last evaluated: 2019-04-17. Review status: criteria provided, single submitter. Criteria: Invitae Variant Classification Sherloc (09022015). Collection method: clinical testing. Allele origin: germline.
Comment: In summary, the available evidence is currently insufficient to determine the role of this variant in disease. Therefore, it has been classified as a Variant of Uncertain Significance. Algorithms developed to predict the effect of missense changes on protein structure and function output the following: SIFT: "Tolerated"; PolyPhen-2: "Benign"; Align-GVGD: "Class C0". The threonine amino acid residue is found in multiple mammalian species, suggesting that this missense change does not adversely affect protein function. These predictions have not been confirmed by published functional studies and their clinical significance is uncertain. This variant has not been reported in the literature in individuals with TRDN-related conditions. This variant is not present in population databases (ExAC no frequency). This sequence change replaces alanine with threonine at codon 370 of the TRDN protein (p.Ala370Thr). The alanine residue is weakly conserved and there is a small physicochemical difference between alanine and threonine.

NM_006073.4(TRDN):c.1108G>A (p.Ala370Thr)

Gene: TRDN (triadin; minus strand). Cytogenetic location: 6q22.31.
Variant type: single nucleotide variant.
Coding change: c.1108G>A on transcript NM_006073.4 (MANE Select); coding-DNA position 1108, G replaced by A.
Protein change: p.Ala370Thr; replaces alanine 370 with threonine.
Molecular consequence: missense variant.
Genome position (GRCh38, 1-based): chr6:123,388,549, C>T on the plus strand (G>A on the coding strand, the complement: TRDN is on the minus strand). VCF-style: chr6-123388549-C-T. GRCh37 (hg19) VCF-style: chr6-123709694-C-T.
Other names: c.1111G>A, p.Ala371Thr (NM_001251987.2); short protein forms A370T, A371T.
Identifiers: ClinVar variation 943962 (VCV000943962.11), dbSNP rs1781990629, ClinGen allele CA365567089.